The following is an entry in ClinVar:

ClinVar aggregate classification (germline): Pathogenic (1 of 4 stars; one submission).

Submission:

Labcorp Genetics (formerly Invitae), Labcorp
Classification: Pathogenic. Last evaluated: 2025-05-07. Review status: criteria provided, single submitter. Criteria: Invitae Variant Classification Sherloc (09022015). Collection method: clinical testing. Allele origin: germline.
Comment: This sequence change creates a premature translational stop signal (p.Gln488_Gln489delinsHis*) in the HNF1B gene. It is expected to result in an absent or disrupted protein product. Loss-of-function variants in HNF1B are known to be pathogenic (PMID: 9398836, 12148114, 15068978, 20378641). Information on the frequency of this variant in the gnomAD database is not available, as this variant may be reported differently in the database. This variant has not been reported in the literature in individuals affected with HNF1B-related conditions. For these reasons, this variant has been classified as Pathogenic.

Literature cited by the submitters: PubMed 9398836; PubMed 12148114; PubMed 15068978; PubMed 20378641.

NM_000458.4(HNF1B):c.1464_1465delinsTT (p.Gln488_Gln489delinsHisTer)

Gene: HNF1B (HNF1 homeobox B; minus strand). Cytogenetic location: 17q12.
Variant type: Indel.
Coding change: c.1464_1465delinsTT on transcript NM_000458.4 (MANE Select); coding-DNA positions 1464 to 1465, GC replaced by TT.
Protein change: p.Gln488_Gln489delinsHisTer.
Molecular consequence: nonsense. On other transcripts: intron variant (1).
Genome position (GRCh38, 1-based): chr17:37,701,052-37,701,053, GC replaced by AA on the plus strand (GC replaced by TT on the coding strand, the reverse complement: HNF1B is on the minus strand). VCF-style: chr17-37701052-GC-AA. GRCh37 (hg19) VCF-style: chr17-36061057-GC-AA.
Other names: c.1386_1387delinsTT, p.Gln462_Gln463delinsHisTer (NM_001165923.4); c.1464_1465delinsTT, p.Gln488_Gln489delinsHisTer (NM_001411100.1); c.1261+3864_1261+3865delinsTT (NM_001304286.2).
Identifiers: ClinVar variation 4719147 (VCV004719147.1).